The following is an entry in ClinVar:

NM_014786.4(ARHGEF17):c.2679G>A (p.Leu893=)

Gene: ARHGEF17 (Rho guanine nucleotide exchange factor 17; plus strand). Cytogenetic location: 11q13.4.
Variant type: single nucleotide variant.
Coding change: c.2679G>A on transcript NM_014786.4 (MANE Select); coding-DNA position 2679, G replaced by A.
Protein change: p.Leu893=; no amino-acid change (leucine 893 retained).
Molecular consequence: synonymous variant.
Genome position (GRCh38, 1-based): chr11:73,311,317, G>A. VCF-style: chr11-73311317-G-A. GRCh37 (hg19) VCF-style: chr11-73022362-G-A.
Identifiers: ClinVar variation 2642137 (VCV002642137.24), dbSNP rs769011649, ClinGen allele CA6177272.

ClinVar aggregate classification (germline): Likely benign (1 of 4 stars; one submission).

Allele frequency attached by ClinVar (database versions not stated): gnomAD exomes below 0.00001; ExAC 0.00001.
gnomAD v4.1: 2 of 1,613,146 alleles (0.00012%); highest among the groups gnomAD compares: Non-Finnish European, 0.00017%; no homozygotes.

Submission:

CeGaT Center for Human Genetics Tuebingen
Classification: Likely benign. Last evaluated: 2022-08-01. Review status: criteria provided, single submitter. Criteria: CeGaT Center For Human Genetics Tuebingen Variant Classification Criteria Version 2. Collection method: clinical testing. Allele origin: germline. Affected: yes. Observed: 1 variant allele.
Comment: ARHGEF17: BP4, BP7